The following is an entry in ClinVar:

ClinVar aggregate classification (germline): Uncertain significance. Review status: criteria provided, multiple submitters, no conflicts (2 of 4 stars). 2 submissions from 2 submitters: Uncertain significance (2). Last evaluated 2025-06-23.

Conditions:
Inborn genetic diseases. Identifiers: MedGen C0950123, MeSH D030342.

Allele frequency attached by ClinVar (database versions not stated): ExAC 0.00001; gnomAD exomes 0.00001; TOPMed 0.00002; gnomAD 0.00003.
gnomAD v4.1: 36 of 1,610,734 alleles (0.0022%); highest among the groups gnomAD compares: Non-Finnish European, 0.0028%; no homozygotes.

Submissions (2):

Ambry Genetics
Classification: Uncertain significance for Inborn genetic diseases. Last evaluated: 2025-06-23. Review status: criteria provided, single submitter. Criteria: Ambry Variant Classification Scheme 2023. Collection method: clinical testing. Allele origin: germline.

Labcorp Genetics (formerly Invitae), Labcorp
Classification: Uncertain significance. Last evaluated: 2022-07-05. Review status: criteria provided, single submitter. Criteria: Invitae Variant Classification Sherloc (09022015). Collection method: clinical testing. Allele origin: germline.
Comment: In summary, the available evidence is currently insufficient to determine the role of this variant in disease. Therefore, it has been classified as a Variant of Uncertain Significance. Algorithms developed to predict the effect of missense changes on protein structure and function are either unavailable or do not agree on the potential impact of this missense change (SIFT: "Deleterious"; PolyPhen-2: "Possibly Damaging"; Align-GVGD: "Class C15"). ClinVar contains an entry for this variant (Variation ID: 1502017). This variant has not been reported in the literature in individuals affected with IMPG2-related conditions. This variant is present in population databases (rs764454738, gnomAD 0.004%). This sequence change replaces aspartic acid, which is acidic and polar, with tyrosine, which is neutral and polar, at codon 610 of the IMPG2 protein (p.Asp610Tyr).

NM_016247.4(IMPG2):c.1828G>T (p.Asp610Tyr)

Gene: IMPG2 (interphotoreceptor matrix proteoglycan 2; minus strand). Cytogenetic location: 3q12.3.
Variant type: single nucleotide variant.
Coding change: c.1828G>T on transcript NM_016247.4 (MANE Select); coding-DNA position 1828, G replaced by T.
Protein change: p.Asp610Tyr; replaces aspartic acid 610 with tyrosine.
Molecular consequence: missense variant.
Genome position (GRCh38, 1-based): chr3:101,244,503, C>A on the plus strand (G>T on the coding strand, the complement: IMPG2 is on the minus strand). VCF-style: chr3-101244503-C-A. GRCh37 (hg19) VCF-style: chr3-100963347-C-A.
Other names: c.1828G>T (NM_016247.3); short protein forms D610Y.
Identifiers: ClinVar variation 1502017 (VCV001502017.11), dbSNP rs764454738, ClinGen allele CA2519085.